The following is an entry in ClinVar:

ClinVar aggregate classification (germline): Uncertain significance (1 of 4 stars; one submission).

Submission:

GeneDx
Classification: Uncertain significance. Last evaluated: 2022-09-27. Review status: criteria provided, single submitter. Criteria: GeneDx Variant Classification Process June 2021. Collection method: clinical testing. Allele origin: germline. Affected: yes.
Comment: Not observed at significant frequency in large population cohorts (gnomAD); Frameshift variant predicted to result in protein truncation or nonsense mediated decay in a gene or region of a gene for which loss of function is not a well-established mechanism of disease; Has not been previously published as pathogenic or benign to our knowledge; Variants in candidate genes are classified as variants of uncertain significance in accordance with ACMG guidelines (Richards et al., 2015)

NM_018426.3(TMEM63B):c.1975_1977delinsA (p.Asp659fs)

Gene: TMEM63B (transmembrane protein 63B; plus strand). Cytogenetic location: 6p21.1.
Variant type: Indel.
Coding change: c.1975_1977delinsA on transcript NM_018426.3 (MANE Select); coding-DNA positions 1975 to 1977, GAC replaced by A.
Protein change: p.Asp659fs; shifts the reading frame from aspartic acid 659.
Molecular consequence: frameshift variant.
Genome position (GRCh38, 1-based): chr6:44,153,708-44,153,710, GAC replaced by A. VCF-style: chr6-44153708-GAC-A. GRCh37 (hg19) VCF-style: chr6-44121445-GAC-A.
Other names: c.1975_1977delinsA, p.Asp659fs (NM_001318792.1); short protein forms D659fs.
Identifiers: ClinVar variation 2579536 (VCV002579536.1), dbSNP rs2533473950, ClinGen allele CA2580617998.